The following is an entry in ClinVar:

ClinVar aggregate classification (germline): Uncertain significance (1 of 4 stars; one submission).

Conditions:
Inborn genetic diseases. Identifiers: MedGen C0950123, MeSH D030342.

gnomAD v4.1: 2 of 1,614,066 alleles (0.00012%); highest among the groups gnomAD compares: Non-Finnish European, 0.00017%; no homozygotes.

Submission:

Ambry Genetics
Classification: Uncertain significance for Inborn genetic diseases. Last evaluated: 2024-12-25. Review status: criteria provided, single submitter. Criteria: Ambry Variant Classification Scheme 2023. Collection method: clinical testing. Allele origin: germline.
Comment: The p.T603I variant (also known as c.1808C>T), located in coding exon 12 of the BMPR2 gene, results from a C to T substitution at nucleotide position 1808. The threonine at codon 603 is replaced by isoleucine, an amino acid with similar properties. This amino acid position is conserved. In addition, the in silico prediction for this alteration is inconclusive. Based on the available evidence, the clinical significance of this variant remains unclear.

NM_001204.7(BMPR2):c.1808C>T (p.Thr603Ile)

Gene: BMPR2 (bone morphogenetic protein receptor type 2; plus strand). Cytogenetic location: 2q33.2.
Variant type: single nucleotide variant.
Coding change: c.1808C>T on transcript NM_001204.7 (MANE Select); coding-DNA position 1808, C replaced by T.
Protein change: p.Thr603Ile; replaces threonine 603 with isoleucine.
Molecular consequence: missense variant.
Genome position (GRCh38, 1-based): chr2:202,555,473, C>T. VCF-style: chr2-202555473-C-T. GRCh37 (hg19) VCF-style: chr2-203420196-C-T.
Other names: short protein forms T603I.
Identifiers: ClinVar variation 3824779 (VCV003824779.1).
Genomic context (GRCh38, chr2:202,555,473, plus strand): 5'-ACCGAAATTCAATTAACTATGAACGACAGCAAGCACAAGCTCGAATCCCCAGCCCTGAAA[C>T]AAGTGTCACCAGCCTCTCCACCAACACAACAACCACAAACACCACAGGACTCACGCCAAG-3'
Protein context (NP_001195.2, residues 593-613): QAQARIPSPE[Thr603Ile]SVTSLSTNTT